The following is an entry in ClinVar:

NM_024757.5(EHMT1):c.704_705dup (p.Glu236fs)

Gene: EHMT1 (euchromatic histone lysine methyltransferase 1; plus strand). Cytogenetic location: 9q34.3.
Variant type: Microsatellite.
Coding change: c.704_705dup on transcript NM_024757.5 (MANE Select); coding-DNA positions 704 to 705, 2 bases duplicated (AG; older notation c.704_705dupAG).
Protein change: p.Glu236fs; shifts the reading frame from glutamic acid 236.
Molecular consequence: frameshift variant.
Genome position (GRCh38, 1-based): chr9:137,728,410-137,728,411, AG duplicated; duplicating any 2 consecutive bases within chr9:137,728,408-137,728,411 gives the same sequence; the c. name uses the placement nearest the transcript's 3' end. VCF-style (leftmost placement, unchanged base first): chr9-137728407-A-AAG. GRCh37 (hg19) VCF-style: chr9-140622859-A-AAG.
Other names: c.704_705dup, p.Glu236fs (NM_001145527.2, NM_001354263.2, NM_001354611.2); c.611_612dup, p.Glu205fs (NM_001354259.2, NM_001354612.2); short protein forms E205fs, E236fs.
Identifiers: ClinVar variation 3236889 (VCV003236889.1).

ClinVar aggregate classification (germline): Pathogenic (1 of 4 stars; one submission).

Conditions:
Kleefstra syndrome 1 (KLEFS1). Identifiers: Orphanet 261494, MedGen C0795833, MONDO:0027407, OMIM 610253.

Submission:

Laboratory of Genetics, Children's Clinical University Hospital Latvia
Classification: Pathogenic for Kleefstra syndrome 1. Review status: criteria provided, single submitter. Criteria: ACMG Guidelines, 2015. Collection method: curation. Allele origin: de novo. Affected: yes.
Comment: de novo

Literature cited by the submitters: PubMed 39013458.